The following is an entry in ClinVar:

ClinVar aggregate classification (germline): Uncertain significance. Review status: criteria provided, multiple submitters, no conflicts (2 of 4 stars). 3 submissions from 3 submitters: Uncertain significance (3). Last evaluated 2025-12-11.

Conditions:
Netherton syndrome (NETH). Also called: ERYTHRODERMA, ICHTHYOSIFORM, WITH HYPOTRICHOSIS AND HYPER-IgE; COMEL-NETHERTON SYNDROME; NETHERTON DISEASE. Identifiers: Orphanet 634, MedGen C5574950, MONDO:0009735, OMIM 256500.
Inborn genetic diseases. Identifiers: MedGen C0950123, MeSH D030342.

Allele frequency attached by ClinVar (database versions not stated): ExAC 0.00003; gnomAD exomes 0.00003 and 0.00004; gnomAD 0.00005; TOPMed 0.00007.
gnomAD v4.1: 48 of 1,612,274 alleles (0.003%); highest among the groups gnomAD compares: Middle Eastern, 0.016%; no homozygotes.

Submissions (3):

GeneDx
Classification: Uncertain significance. Last evaluated: 2025-12-11. Review status: criteria provided, single submitter. Criteria: GeneDx Variant Classification Process June 2021. Collection method: clinical testing. Allele origin: germline. Affected: yes.
Comment: Has not been previously published as pathogenic or benign to our knowledge; In silico analysis suggests that this missense variant does not alter protein structure/function

Ambry Genetics
Classification: Uncertain significance for Inborn genetic diseases. Last evaluated: 2024-10-03. Review status: criteria provided, single submitter. Criteria: Ambry Variant Classification Scheme 2023. Collection method: clinical testing. Allele origin: germline.

Labcorp Genetics (formerly Invitae), Labcorp
Classification: Uncertain significance for Ichthyosis linearis circumflexa. Last evaluated: 2022-09-13. Review status: criteria provided, single submitter. Criteria: Invitae Variant Classification Sherloc (09022015). Collection method: clinical testing. Allele origin: germline.
Comment: This sequence change replaces arginine, which is basic and polar, with glutamine, which is neutral and polar, at codon 500 of the SPINK5 protein (p.Arg500Gln). This variant is present in population databases (rs201428589, gnomAD 0.01%). This variant has not been reported in the literature in individuals affected with SPINK5-related conditions. ClinVar contains an entry for this variant (Variation ID: 644791). Advanced modeling of protein sequence and biophysical properties (such as structural, functional, and spatial information, amino acid conservation, physicochemical variation, residue mobility, and thermodynamic stability) performed at Invitae indicates that this missense variant is not expected to disrupt SPINK5 protein function. Algorithms developed to predict the effect of sequence changes on RNA splicing suggest that this variant may create or strengthen a splice site. In summary, the available evidence is currently insufficient to determine the role of this variant in disease. Therefore, it has been classified as a Variant of Uncertain Significance.

NM_006846.4(SPINK5):c.1499G>A (p.Arg500Gln)

Gene: SPINK5 (serine peptidase inhibitor Kazal type 5; plus strand). Cytogenetic location: 5q32.
Variant type: single nucleotide variant.
Coding change: c.1499G>A on transcript NM_006846.4 (MANE Select); coding-DNA position 1499, G replaced by A.
Protein change: p.Arg500Gln; replaces arginine 500 with glutamine.
Molecular consequence: missense variant.
Genome position (GRCh38, 1-based): chr5:148,107,056, G>A. VCF-style: chr5-148107056-G-A. GRCh37 (hg19) VCF-style: chr5-147486619-G-A.
Other names: c.1499G>A, p.Arg500Gln (NM_001127698.2, NM_001127699.2); short protein forms R500Q.
Identifiers: ClinVar variation 644791 (VCV000644791.11), dbSNP rs201428589, ClinGen allele CA3495645.